The following is an entry in ClinVar:

NM_032119.4(ADGRV1):c.9597A>G (p.Leu3199=)

Gene: ADGRV1 (adhesion G protein-coupled receptor V1; plus strand). Cytogenetic location: 5q14.3.
Variant type: single nucleotide variant.
Coding change: c.9597A>G on transcript NM_032119.4 (MANE Select); coding-DNA position 9597, A replaced by G.
Protein change: p.Leu3199=; no amino-acid change (leucine 3199 retained).
Molecular consequence: synonymous variant. On other transcripts: non-coding transcript variant (1).
Genome position (GRCh38, 1-based): chr5:90,720,197, A>G. VCF-style: chr5-90720197-A-G. GRCh37 (hg19) VCF-style: chr5-90016014-A-G.
Identifiers: ClinVar variation 723162 (VCV000723162.9), dbSNP rs751042349, ClinGen allele CA3340540.
Genomic context (GRCh38, chr5:90,720,197, plus strand): 5'-ACTAGGGGTGCATGTTCAAACCCTGATAACAGTTTTGCAAAACCAGGCCCCTTTGGGGCT[A>G]TTCAGTATCTCTGCAGTTGAAAATAGGTATAGTTTATTCATAAGGAAATTATCACTTCTG-3'
Protein context (NP_115495.3, residues 3189-3209): TVLQNQAPLG[Leu3199=]FSISAVENRA

ClinVar aggregate classification (germline): Likely benign. Review status: criteria provided, single submitter (1 of 4 stars). 2 submissions from 2 submitters: Likely benign (1). 1 of the submissions does not count toward it. Last evaluated 2025-12-24.

Conditions:
ADGRV1-related disorder. Also called: ADGRV1-related condition; ADGRV1-related disorders.

Allele frequency attached by ClinVar (database versions not stated): gnomAD 0.00001; TOPMed 0.00001; gnomAD exomes 0.00002 and 0.00004; ExAC 0.00007.
gnomAD v4.1: 29 of 1,588,100 alleles (0.0018%); highest among the groups gnomAD compares: South Asian, 0.026%; no homozygotes.

Submissions (2):

Labcorp Genetics (formerly Invitae), Labcorp
Classification: Likely benign. Last evaluated: 2025-12-24. Review status: criteria provided, single submitter. Criteria: Invitae Variant Classification Sherloc (09022015). Collection method: clinical testing. Allele origin: germline.

PreventionGenetics, part of Exact Sciences
Classification: Likely benign for ADGRV1-related condition. Last evaluated: 2019-02-20. Review status: no assertion criteria provided. Collection method: clinical testing. Allele origin: germline. Not counted in ClinVar's aggregate classification.
Comment: This variant is classified as likely benign based on ACMG/AMP sequence variant interpretation guidelines (Richards et al. 2015 PMID: 25741868, with internal and published modifications).